The following is an entry in ClinVar:

ClinVar aggregate classification (germline): Uncertain significance. Review status: criteria provided, multiple submitters, no conflicts (2 of 4 stars). 2 submissions from 2 submitters: Uncertain significance (2). Last evaluated 2025-04-14.

Conditions:
Inborn genetic diseases. Identifiers: MedGen C0950123, MeSH D030342.

gnomAD v4.1: 5 of 1,611,560 alleles (0.00031%); highest among the groups gnomAD compares: South Asian, 0.0022%; no homozygotes.

Submissions (2):

Ambry Genetics
Classification: Uncertain significance for Inborn genetic diseases. Last evaluated: 2025-04-14. Review status: criteria provided, single submitter. Criteria: Ambry Variant Classification Scheme 2023. Collection method: clinical testing. Allele origin: germline.

Labcorp Genetics (formerly Invitae), Labcorp
Classification: Uncertain significance. Last evaluated: 2025-02-27. Review status: criteria provided, single submitter. Criteria: Invitae Variant Classification Sherloc (09022015). Collection method: clinical testing. Allele origin: germline.
Comment: This sequence change replaces isoleucine, which is neutral and non-polar, with valine, which is neutral and non-polar, at codon 564 of the ANKRD26 protein (p.Ile564Val). This variant is present in population databases (rs758199609, gnomAD 0.003%). This variant has not been reported in the literature in individuals affected with ANKRD26-related conditions. ClinVar contains an entry for this variant (Variation ID: 3396372). An algorithm developed to predict the effect of missense changes on protein structure and function outputs the following: PolyPhen-2: "Benign". The valine amino acid residue is found in multiple mammalian species, which suggests that this missense change does not adversely affect protein function. In summary, the available evidence is currently insufficient to determine the role of this variant in disease. Therefore, it has been classified as a Variant of Uncertain Significance.

NM_014915.3(ANKRD26):c.1690A>G (p.Ile564Val)

Gene: ANKRD26 (ankyrin repeat domain 26; minus strand). Cytogenetic location: 10p12.1.
Variant type: single nucleotide variant.
Coding change: c.1690A>G on transcript NM_014915.3 (MANE Select); coding-DNA position 1690, A replaced by G.
Protein change: p.Ile564Val; replaces isoleucine 564 with valine.
Molecular consequence: missense variant.
Genome position (GRCh38, 1-based): chr10:27,048,925, T>C on the plus strand (A>G on the coding strand, the complement: ANKRD26 is on the minus strand). VCF-style: chr10-27048925-T-C. GRCh37 (hg19) VCF-style: chr10-27337854-T-C.
Other names: c.1690A>G, p.Ile564Val (NM_001256053.2); short protein forms I564V.
Identifiers: ClinVar variation 3396372 (VCV003396372.3).